The following is an entry in ClinVar:

ClinVar aggregate classification (germline): Likely benign. Review status: criteria provided, single submitter (1 of 4 stars). 2 submissions from 2 submitters: Likely benign (1). 1 of the submissions does not count toward it. Last evaluated 2024-05-01.

Conditions:
INTS1-related disorder. Also called: INTS1-related condition.

Allele frequency attached by ClinVar (database versions not stated): gnomAD 0.00003; ExAC 0.00004; TOPMed 0.00004; gnomAD exomes 0.00007.
gnomAD v4.1: 98 of 1,613,684 alleles (0.0061%); highest among the groups gnomAD compares: Non-Finnish European, 0.0078%; no homozygotes.

Submissions (2):

CeGaT Center for Human Genetics Tuebingen
Classification: Likely benign. Last evaluated: 2024-05-01. Review status: criteria provided, single submitter. Criteria: CeGaT Center For Human Genetics Tuebingen Variant Classification Criteria Version 2. Collection method: clinical testing. Allele origin: germline. Affected: yes. Observed: 1 variant allele.
Comment: INTS1: BP4, BP7

PreventionGenetics, part of Exact Sciences
Classification: Likely benign for INTS1-related condition. Last evaluated: 2019-04-25. Review status: no assertion criteria provided. Collection method: clinical testing. Allele origin: germline. Not counted in ClinVar's aggregate classification.
Comment: This variant is classified as likely benign based on ACMG/AMP sequence variant interpretation guidelines (Richards et al. 2015 PMID: 25741868, with internal and published modifications).

NM_001080453.3(INTS1):c.1680C>T (p.Ala560=)

Gene: INTS1 (integrator complex subunit 1; minus strand). Cytogenetic location: 7p22.3.
Variant type: single nucleotide variant.
Coding change: c.1680C>T on transcript NM_001080453.3 (MANE Select); coding-DNA position 1680, C replaced by T.
Protein change: p.Ala560=; no amino-acid change (alanine 560 retained).
Molecular consequence: synonymous variant.
Genome position (GRCh38, 1-based): chr7:1,496,187, G>A on the plus strand (C>T on the coding strand, the complement: INTS1 is on the minus strand). VCF-style: chr7-1496187-G-A. GRCh37 (hg19) VCF-style: chr7-1535823-G-A.
Identifiers: ClinVar variation 3047095 (VCV003047095.20), dbSNP rs763175494, ClinGen allele CA4120210.